The following is an entry in ClinVar:

NM_001386795.1(DTNA):c.872_875dup (p.Trp292fs)

Gene: DTNA (dystrobrevin alpha; plus strand). Cytogenetic location: 18q12.1.
Variant type: Duplication.
Coding change: c.872_875dup on transcript NM_001386795.1 (MANE Select); coding-DNA positions 872 to 875, 4 bases duplicated (CATG; older notation c.872_875dupCATG).
Protein change: p.Trp292fs; shifts the reading frame from tryptophan 292.
Molecular consequence: frameshift variant. On other transcripts: 5 prime UTR variant (2), intron variant (1).
Genome position (GRCh38, 1-based): chr18:34,818,326-34,818,329, CATG duplicated. VCF-style (leftmost placement, unchanged base first): chr18-34818325-T-TCATG. GRCh37 (hg19) VCF-style: chr18-32398289-T-TCATG.
Other names: c.872_875dup, p.Trp292fs (NM_001128175.2, NM_001198938.2, NM_001198939.2 and 34 more transcripts); c.-400_-397dup (NM_001198942.1, NM_001198944.1); c.122_125dup, p.Trp42fs (NM_001198943.1); c.603+6213_603+6216dup (NM_001198945.2); short protein forms W292fs, W42fs.
Identifiers: ClinVar variation 1041769 (VCV001041769.6), dbSNP rs2095638924, ClinGen allele CA2295351256.

ClinVar aggregate classification (germline): Uncertain significance (1 of 4 stars; one submission).

Conditions:
Left ventricular noncompaction 1 (LVNC1). Also called: LEFT VENTRICULAR NONCOMPACTION 1 WITH OR WITHOUT CONGENITAL HEART DEFECTS. Identifiers: Orphanet 54260, MedGen C1858725, MONDO:0011403, OMIM 604169.

Allele frequency attached by ClinVar (database versions not stated): gnomAD exomes below 0.00001.

Submission:

Labcorp Genetics (formerly Invitae), Labcorp
Classification: Uncertain significance for Left ventricular noncompaction 1. Last evaluated: 2020-04-15. Review status: criteria provided, single submitter. Criteria: Invitae Variant Classification Sherloc (09022015). Collection method: clinical testing. Allele origin: germline.
Comment: This variant is not present in population databases (ExAC no frequency). This sequence change creates a premature translational stop signal (p.Trp292Cysfs*7) in the DTNA gene. It is expected to result in an absent or disrupted protein product. This variant has not been reported in the literature in individuals with DTNA-related conditions. The current clinical and genetic evidence is not sufficient to establish whether loss-of-function variants in DTNA cause disease. In summary, the available evidence is currently insufficient to determine the role of this variant in disease. Therefore, it has been classified as a Variant of Uncertain Significance.